The following is an entry in ClinVar:

NM_000089.4(COL1A2):c.2904C>T (p.Pro968=)

Gene: COL1A2 (collagen type I alpha 2 chain; plus strand). Cytogenetic location: 7q21.3.
Variant type: single nucleotide variant.
Coding change: c.2904C>T on transcript NM_000089.4 (MANE Select); coding-DNA position 2904, C replaced by T.
Protein change: p.Pro968=; no amino-acid change (proline 968 retained).
Molecular consequence: synonymous variant.
Genome position (GRCh38, 1-based): chr7:94,425,818, C>T. VCF-style: chr7-94425818-C-T. GRCh37 (hg19) VCF-style: chr7-94055130-C-T.
Other names: p.Pro968=.
Identifiers: ClinVar variation 283127 (VCV000283127.60), dbSNP rs142352627, ClinGen allele CA4347595.

ClinVar aggregate classification (germline): Conflicting classifications of pathogenicity. Review status: criteria provided, conflicting classifications (1 of 4 stars). 13 submissions from 12 submitters: Uncertain significance (1); Benign (4); Likely benign (8). Last evaluated 2026-08-01.

Conditions:
Ehlers-Danlos syndrome, classic type, 1 (EDSCL1). Also called: EDS I; EHLERS-DANLOS SYNDROME, GRAVIS TYPE; EHLERS-DANLOS SYNDROME, SEVERE CLASSIC TYPE; Ehlers-Danlos syndrome, type 1; Ehlers-Danlos Syndrome, Classic Type, COL5A1-Related. Identifiers: MedGen C0268335, MONDO:0019567, OMIM 130000.
Osteogenesis imperfecta type I (OI1). Also called: OI, TYPE I; OSTEOGENESIS IMPERFECTA TARDA; OSTEOGENESIS IMPERFECTA WITH BLUE SCLERAE; Lobstein's Disease; Lobstein disease; Classic Non-deforming Osteogenesis Imperfecta with Blue Sclerae. Identifiers: Orphanet 216796, Orphanet 666, MedGen C0023931, MONDO:0008146, OMIM 166200. Disease mechanism: loss of function.
Ehlers-Danlos syndrome, arthrochalasia type, 2. Also called: EHLERS-DANLOS SYNDROME, TYPE VIIB, AUTOSOMAL DOMINANT. Identifiers: MedGen CN293783, MONDO:0040501, OMIM 617821.
Cardiovascular phenotype. Identifiers: MedGen CN230736.
Ehlers-Danlos syndrome (EDS). Identifiers: Orphanet 98249, MedGen C0013720, MONDO:0020066.
Osteogenesis imperfecta (OI). Identifiers: Orphanet 666, MedGen C0029434, MeSH D010013, MONDO:0019019.

Allele frequency attached by ClinVar (database versions not stated): gnomAD 0.00013; 1000 Genomes Project 30x 0.00047; TOPMed 0.00047; 1000 Genomes Project 0.00060.
gnomAD v4.1: 1,006 of 1,612,396 alleles (0.062%); highest among the groups gnomAD compares: Admixed American, 0.11%; no homozygotes.

Submissions (13):

CeGaT Center for Human Genetics Tuebingen
Classification: Likely benign. Last evaluated: 2026-08-01. Review status: criteria provided, single submitter. Criteria: CeGaT Center For Human Genetics Tuebingen Variant Classification Criteria Version 2. Collection method: clinical testing. Allele origin: germline. Affected: yes. Observed: 4 variant alleles.
Comment: COL1A2: BP4, BP7

Labcorp Genetics (formerly Invitae), Labcorp
Classification: Benign for Osteogenesis imperfecta type I; Ehlers-Danlos syndrome, classic type, 1. Last evaluated: 2026-01-18. Review status: criteria provided, single submitter. Criteria: Invitae Variant Classification Sherloc (09022015). Collection method: clinical testing. Allele origin: germline.

Mayo Clinic Laboratories, Mayo Clinic
Classification: Likely benign. Last evaluated: 2025-10-07. Review status: criteria provided, single submitter. Criteria: ACMG Guidelines, 2015. Collection method: clinical testing. Allele origin: germline. Observed: 5 variant alleles.
Comment: BS1, BP4, BP7

Women's Health and Genetics/Laboratory Corporation of America, LabCorp
Classification: Benign. Last evaluated: 2024-12-06. Review status: criteria provided, single submitter. Criteria: LabCorp Variant Classification Summary - May 2015. Collection method: clinical testing. Allele origin: germline.

Blueprint Genetics
Classification: Likely benign. Last evaluated: 2024-10-29. Review status: criteria provided, single submitter. Criteria: ACMG Guidelines, 2015. Collection method: clinical testing. Allele origin: germline.

ARUP Laboratories, Molecular Genetics and Genomics, ARUP Laboratories
Classification: Likely benign. Last evaluated: 2024-07-22. Review status: criteria provided, single submitter. Criteria: ARUP Molecular Germline Variant Investigation Process 2024. Collection method: clinical testing. Allele origin: germline.

GeneDx
Classification: Likely benign. Last evaluated: 2020-11-16. Review status: criteria provided, single submitter. Criteria: GeneDx Variant Classification Process June 2021. Collection method: clinical testing. Allele origin: germline. Affected: yes.

Ambry Genetics
Classification: Likely benign for Cardiovascular phenotype. Last evaluated: 2019-03-01. Review status: criteria provided, single submitter. Criteria: Ambry Variant Classification Scheme 2023. Collection method: clinical testing. Allele origin: germline.

Genome Diagnostics Laboratory, The Hospital for Sick Children
Classification: Likely benign for Ehlers-Danlos syndrome. Last evaluated: 2018-09-01. Review status: criteria provided, single submitter. Criteria: ACMG Guidelines, 2015. Collection method: clinical testing. Allele origin: germline.

Athena Diagnostics
Classification: Benign. Last evaluated: 2018-05-23. Review status: criteria provided, single submitter. Criteria: Athena Diagnostics Criteria. Collection method: clinical testing. Allele origin: germline.

Illumina Laboratory Services, Illumina
Classification: Benign for Ehlers-Danlos syndrome, arthrochalasia type, 2. Last evaluated: 2018-01-13. Review status: criteria provided, single submitter. Criteria: ICSL Variant Classification Criteria 13 December 2019. Collection method: clinical testing. Allele origin: germline.
Comment: This variant was observed in the ICSL laboratory as part of a predisposition screen in an ostensibly healthy population. It had not been previously curated by ICSL or reported in the Human Gene Mutation Database (HGMD: prior to June 1st, 2018), and was therefore a candidate for classification through an automated scoring system. Utilizing variant allele frequency, disease prevalence and penetrance estimates, and inheritance mode, an automated score was calculated to assess if this variant is too frequent to cause the disease. Based on the score and internal cut-off values, a variant classified as benign is not then subjected to further curation. The score for this variant resulted in a classification of benign for this disease.

Illumina Laboratory Services, Illumina
Classification: Likely benign for Osteogenesis imperfecta. Last evaluated: 2018-01-13. Review status: criteria provided, single submitter. Criteria: ICSL Variant Classification Criteria 13 December 2019. Collection method: clinical testing. Allele origin: germline.
Comment: This variant was observed in the ICSL laboratory as part of a predisposition screen in an ostensibly healthy population. It had not been previously curated by ICSL or reported in the Human Gene Mutation Database (HGMD: prior to June 1st, 2018), and was therefore a candidate for classification through an automated scoring system. Utilizing variant allele frequency, disease prevalence and penetrance estimates, and inheritance mode, an automated score was calculated to assess if this variant is too frequent to cause the disease. Based on the score and internal cut-off values, a variant classified as likely benign is not then subjected to further curation. The score for this variant resulted in a classification of likely benign for this disease.

Eurofins Ntd Llc (ga)
Classification: Uncertain significance. Last evaluated: 2015-09-28. Review status: criteria provided, single submitter. Criteria: EGL Classification Definitions 2015. Collection method: clinical testing. Allele origin: germline. Observed: 1 variant allele, 1 heterozygote.

Literature cited by the submitters: PubMed 18996919 (cited by Women's Health and Genetics/Laboratory Corporation of America, LabCorp).